The following is an entry in ClinVar:

NM_201596.3(CACNB2):c.1009A>G (p.Ser337Gly)

Gene: CACNB2 (calcium voltage-gated channel auxiliary subunit beta 2; plus strand). Cytogenetic location: 10p12.31.
Variant type: single nucleotide variant.
Coding change: c.1009A>G on transcript NM_201596.3 (MANE Select); coding-DNA position 1009, A replaced by G.
Protein change: p.Ser337Gly; replaces serine 337 with glycine.
Molecular consequence: missense variant.
Genome position (GRCh38, 1-based): chr10:18,527,652, A>G. VCF-style: chr10-18527652-A-G. GRCh37 (hg19) VCF-style: chr10-18816581-A-G.
Other names: c.844A>G, p.Ser282Gly (NM_000724.4); c.811A>G, p.Ser271Gly (NM_001167945.2); c.730A>G, p.Ser244Gly (NM_001330060.2); c.865A>G, p.Ser289Gly (NM_201570.3); c.925A>G, p.Ser309Gly (NM_201571.4); c.853A>G, p.Ser285Gly (NM_201572.4); c.847A>G, p.Ser283Gly (NM_201590.3); c.895A>G, p.Ser299Gly (NM_201593.3); and 1 more; short protein forms S283G, S337G, S244G, S313G, S285G, S289G, S271G, S282G.
Identifiers: ClinVar variation 263499 (VCV000263499.3), dbSNP rs886038827, ClinGen allele CA10587698.

ClinVar aggregate classification (germline): Uncertain significance (1 of 4 stars; one submission).

Conditions:
Cardiovascular phenotype. Identifiers: MedGen CN230736.

Allele frequency attached by ClinVar (database versions not stated): gnomAD exomes below 0.00001.
gnomAD v4.1: 1 of 1,614,002 alleles (0.000062%); highest among the groups gnomAD compares: Non-Finnish European, 0.000085%; no homozygotes.

Submission:

Ambry Genetics
Classification: Uncertain significance for Cardiovascular phenotype. Last evaluated: 2013-02-08. Review status: criteria provided, single submitter. Criteria: Ambry Autosomal Dominant and X-Linked criteria (10/2015). Collection method: clinical testing. Allele origin: germline. Observed: 1 variant allele.
Comment: There is insufficient or conflicting evidence for classification of this alteration.